The following is an entry in ClinVar:

ClinVar aggregate classification (germline): Uncertain significance (1 of 4 stars; one submission).

Submission:

Labcorp Genetics (formerly Invitae), Labcorp
Classification: Uncertain significance. Last evaluated: 2022-03-20. Review status: criteria provided, single submitter. Criteria: Invitae Variant Classification Sherloc (09022015). Collection method: clinical testing. Allele origin: germline.
Comment: This variant has not been reported in the literature in individuals affected with CCDC50-related conditions. This sequence change replaces alanine, which is neutral and non-polar, with threonine, which is neutral and polar, at codon 420 of the CCDC50 protein (p.Ala420Thr). This variant is not present in population databases (gnomAD no frequency). Algorithms developed to predict the effect of missense changes on protein structure and function (SIFT, PolyPhen-2, Align-GVGD) all suggest that this variant is likely to be tolerated. In summary, the available evidence is currently insufficient to determine the role of this variant in disease. Therefore, it has been classified as a Variant of Uncertain Significance.

NM_178335.3(CCDC50):c.1258G>A (p.Ala420Thr)

Gene: CCDC50 (coiled-coil domain containing 50; plus strand). Cytogenetic location: 3q28.
Variant type: single nucleotide variant.
Coding change: c.1258G>A on transcript NM_178335.3 (MANE Select); coding-DNA position 1258, G replaced by A.
Protein change: p.Ala420Thr; replaces alanine 420 with threonine.
Molecular consequence: missense variant.
Genome position (GRCh38, 1-based): chr3:191,382,761, G>A. VCF-style: chr3-191382761-G-A. GRCh37 (hg19) VCF-style: chr3-191100550-G-A.
Other names: c.730G>A, p.Ala244Thr (NM_174908.4); short protein forms A244T, A420T.
Identifiers: ClinVar variation 1952650 (VCV001952650.5), dbSNP rs2474064423, ClinGen allele CA355767406.